The following is an entry in ClinVar:

ClinVar aggregate classification (germline): Uncertain significance (1 of 4 stars; one submission).

Submission:

Labcorp Genetics (formerly Invitae), Labcorp
Classification: Uncertain significance. Last evaluated: 2024-04-22. Review status: criteria provided, single submitter. Criteria: Invitae Variant Classification Sherloc (09022015). Collection method: clinical testing. Allele origin: germline.
Comment: This sequence change replaces leucine, which is neutral and non-polar, with arginine, which is basic and polar, at codon 2216 of the POLE protein (p.Leu2216Arg). This variant is not present in population databases (gnomAD no frequency). This variant has not been reported in the literature in individuals affected with POLE-related conditions. ClinVar contains an entry for this variant (Variation ID: 2133674). Advanced modeling of protein sequence and biophysical properties (such as structural, functional, and spatial information, amino acid conservation, physicochemical variation, residue mobility, and thermodynamic stability) has been performed at Invitae for this missense variant, however the output from this modeling did not meet the statistical confidence thresholds required to predict the impact of this variant on POLE protein function. In summary, the available evidence is currently insufficient to determine the role of this variant in disease. Therefore, it has been classified as a Variant of Uncertain Significance.

NM_006231.4(POLE):c.6647T>G (p.Leu2216Arg)

Gene: POLE (DNA polymerase epsilon, catalytic subunit; minus strand). Cytogenetic location: 12q24.33.
Variant type: single nucleotide variant.
Coding change: c.6647T>G on transcript NM_006231.4 (MANE Select); coding-DNA position 6647, T replaced by G.
Protein change: p.Leu2216Arg; replaces leucine 2216 with arginine.
Molecular consequence: missense variant.
Genome position (GRCh38, 1-based): chr12:132,625,655, A>C on the plus strand (T>G on the coding strand, the complement: POLE is on the minus strand). VCF-style: chr12-132625655-A-C. GRCh37 (hg19) VCF-style: chr12-133202241-A-C.
Other names: short protein forms L2216R.
Identifiers: ClinVar variation 2133674 (VCV002133674.4), dbSNP rs2138427360, ClinGen allele CA387366431.
Genomic context (GRCh38, chr12:132,625,655, plus strand): 5'-ACCCCCCTGTGGACTCCAGGGCACACGGGCAGGCGGCATGCACGACTCACCAGGTCCTGC[A>C]GGGTGAAGGCCATCAGCTTCTTCTGTAGAACTTCCACCAGCGTCATCTCGATGGCAGAGG-3'
Protein context (NP_006222.2, residues 2206-2226): VLQKKLMAFT[Leu2216Arg]QDLVCLKCRG